The following is an entry in ClinVar:

ClinVar aggregate classification (germline): Uncertain significance (1 of 4 stars; one submission).

Conditions:
Early Myoclonic Encephalopathy. Identifiers: MedGen C0270855.

Submission:

Labcorp Genetics (formerly Invitae), Labcorp
Classification: Uncertain significance for Early Myoclonic Encephalopathy. Last evaluated: 2023-03-10. Review status: criteria provided, single submitter. Criteria: Invitae Variant Classification Sherloc (09022015). Collection method: clinical testing. Allele origin: germline.
Comment: This sequence change replaces aspartic acid, which is acidic and polar, with asparagine, which is neutral and polar, at codon 1771 of the JMJD1C protein (p.Asp1771Asn). This variant is not present in population databases (gnomAD no frequency). This variant has not been reported in the literature in individuals affected with JMJD1C-related conditions. Advanced modeling of protein sequence and biophysical properties (such as structural, functional, and spatial information, amino acid conservation, physicochemical variation, residue mobility, and thermodynamic stability) performed at Invitae indicates that this missense variant is expected to disrupt JMJD1C protein function. In summary, the available evidence is currently insufficient to determine the role of this variant in disease. Therefore, it has been classified as a Variant of Uncertain Significance.

NM_032776.3(JMJD1C):c.5311G>A (p.Asp1771Asn)

Gene: JMJD1C (jumonji domain containing 1C; minus strand). Cytogenetic location: 10q21.3.
Variant type: single nucleotide variant.
Coding change: c.5311G>A on transcript NM_032776.3 (MANE Select); coding-DNA position 5311, G replaced by A.
Protein change: p.Asp1771Asn; replaces aspartic acid 1771 with asparagine.
Molecular consequence: missense variant. On other transcripts: non-coding transcript variant (1).
Genome position (GRCh38, 1-based): chr10:63,198,693, C>T on the plus strand (G>A on the coding strand, the complement: JMJD1C is on the minus strand). VCF-style: chr10-63198693-C-T. GRCh37 (hg19) VCF-style: chr10-64958453-C-T.
Other names: c.4765G>A, p.Asp1589Asn (NM_001282948.2, NM_001318154.2); c.4447G>A, p.Asp1483Asn (NM_001318153.2); c.5197G>A, p.Asp1733Asn (NM_001322252.2); c.4654G>A, p.Asp1552Asn (NM_001322254.2, NM_001322258.2); short protein forms D1483N, D1733N, D1771N, D1552N, D1589N.
Identifiers: ClinVar variation 2843904 (VCV002843904.3), dbSNP rs2492541693, ClinGen allele CA377032371.